The following is an entry in ClinVar:

ClinVar aggregate classification (germline): Pathogenic (1 of 4 stars; one submission).

Submission:

GeneDx
Classification: Pathogenic. Last evaluated: 2018-05-07. Review status: criteria provided, single submitter. Criteria: GeneDx Variant Classification (06012015). Collection method: clinical testing. Allele origin: germline. Affected: yes.
Comment: The c.2663_2664delTA variant in the CLTC gene has not been reported previously as a pathogenic variant nor as a benign variant, to our knowledge. The c.2663_2664delTA variant causes a frameshift starting with codon Isoleucine 888, changes this amino acid to an Arginine residue, and creates a premature Stop codon at position 3 of the new reading frame, denoted p.Ile888ArgfsX3. This variant is predicted to cause loss of normal protein function either through protein truncation or nonsense-mediated mRNA decay. The c.2663_2664delTA variant is not observed in large population cohorts (Lek et al., 2016).

NM_004859.4(CLTC):c.2651_2652del (p.Ile884fs)

Gene: CLTC (clathrin heavy chain; plus strand). Cytogenetic location: 17q23.1.
Variant type: Deletion.
Coding change: c.2651_2652del on transcript NM_004859.4 (MANE Select); coding-DNA positions 2651 to 2652, 2 bases deleted (TA; older notation c.2651_2652delTA).
Protein change: p.Ile884fs; shifts the reading frame from isoleucine 884.
Molecular consequence: frameshift variant.
Genome position (GRCh38, 1-based): chr17:59,677,043-59,677,044, TA deleted; deleting any 2 consecutive bases within chr17:59,677,042-59,677,044 gives the same sequence; the c. name uses the placement nearest the transcript's 3' end. VCF-style (leftmost placement, unchanged base first): chr17-59677041-CAT-C. GRCh37 (hg19) VCF-style: chr17-57754402-CAT-C.
Other names: c.2663_2664del, p.Ile888fs (NM_001288653.2); c.2663_2664delTA (NM_001288653.1); short protein forms I884fs, I888fs.
Identifiers: ClinVar variation 524162 (VCV000524162.2), dbSNP rs1555606630, ClinGen allele CA658798927.
Genomic context (GRCh38, chr17:59,677,041, plus strand): 5'-GGCCAGAATTCATGAGGGCTGTGAGGAGCCTGCTACTCACAATGCCTTAGCCAAAATCTA[CAT>C]AGACAGTAATAACAACCCGGAGAGATTTCTTCGTGAAAATCCCTACTATGACAGTCGCGT-3'